The following is an entry in ClinVar:

ClinVar aggregate classification (germline): Uncertain significance (1 of 4 stars; one submission).

Conditions:
Hereditary cancer-predisposing syndrome. Also called: Neoplastic Syndromes, Hereditary; Tumor predisposition; Hereditary Cancer Syndrome; Hereditary neoplastic syndrome. Identifiers: Orphanet 140162, MedGen C0027672, MeSH D009386, MONDO:0015356.

Submission:

Ambry Genetics
Classification: Uncertain significance for Hereditary cancer-predisposing syndrome. Last evaluated: 2025-12-01. Review status: criteria provided, single submitter. Criteria: Ambry Variant Classification Scheme 2023. Collection method: clinical testing. Allele origin: germline.
Comment: The c.732_733delATinsTA variant (also known as p.Y245N), located in coding exon 5 of the CTNNA1 gene, results from an in-frame deletion of AT and insertion of TA at nucleotide positions 732 to 733. This results in the substitution of the tyrosine residue for an asparagine residue at codon 245, an amino acid with dissimilar properties. This amino acid position is highly conserved in available vertebrate species. In addition, the in silico prediction for this alteration is inconclusive. Based on the available evidence, the clinical significance of this variant remains unclear.

NM_001903.5(CTNNA1):c.732_733delinsTA (p.Tyr245Asn)

Gene: CTNNA1 (catenin alpha 1; plus strand). Cytogenetic location: 5q31.2.
Variant type: Indel.
Coding change: c.732_733delinsTA on transcript NM_001903.5 (MANE Select); coding-DNA positions 732 to 733, AT replaced by TA.
Protein change: p.Tyr245Asn; replaces tyrosine 245 with asparagine.
Molecular consequence: missense variant.
Genome position (GRCh38, 1-based): chr5:138,824,673-138,824,674, AT replaced by TA. VCF-style: chr5-138824673-AT-TA. GRCh37 (hg19) VCF-style: chr5-138160362-AT-TA.
Other names: c.732_733delinsTA, p.Tyr245Asn (NM_001290307.3, NM_001323982.2, NM_001323983.1 and 3 more transcripts); c.423_424delinsTA, p.Tyr142Asn (NM_001290309.3); c.363_364delinsTA, p.Tyr122Asn (NM_001290310.3); short protein forms Y122N, Y142N, Y245N.
Identifiers: ClinVar variation 4635515 (VCV004635515.1).